The following is an entry in ClinVar:

ClinVar aggregate classification (germline): Uncertain significance (1 of 4 stars; one submission).

Allele frequency attached by ClinVar (database versions not stated): ExAC 0.00001; gnomAD exomes 0.00002; TOPMed 0.00002; gnomAD 0.00003.
gnomAD v4.1: 43 of 1,612,998 alleles (0.0027%); highest among the groups gnomAD compares: Non-Finnish European, 0.0031%; no homozygotes.

Submission:

Labcorp Genetics (formerly Invitae), Labcorp
Classification: Uncertain significance. Last evaluated: 2023-10-24. Review status: criteria provided, single submitter. Criteria: Invitae Variant Classification Sherloc (09022015). Collection method: clinical testing. Allele origin: germline.
Comment: This sequence change affects codon 325 of the LRP6 mRNA. It is a 'silent' change, meaning that it does not change the encoded amino acid sequence of the LRP6 protein. It affects a nucleotide within the consensus splice site. This variant is present in population databases (rs773875943, gnomAD 0.004%). This variant has not been reported in the literature in individuals affected with LRP6-related conditions. ClinVar contains an entry for this variant (Variation ID: 1913616). Algorithms developed to predict the effect of sequence changes on RNA splicing suggest that this variant is not likely to affect RNA splicing. In summary, the available evidence is currently insufficient to determine the role of this variant in disease. Therefore, it has been classified as a Variant of Uncertain Significance.

NM_002336.3(LRP6):c.975T>C (p.Asp325=)

Gene: LRP6 (LDL receptor related protein 6; minus strand). Cytogenetic location: 12p13.2.
Variant type: single nucleotide variant.
Coding change: c.975T>C on transcript NM_002336.3 (MANE Select); coding-DNA position 975, T replaced by C.
Protein change: p.Asp325=; no amino-acid change (aspartic acid 325 retained).
Molecular consequence: synonymous variant. On other transcripts: non-coding transcript variant (1).
Genome position (GRCh38, 1-based): chr12:12,183,981, A>G on the plus strand (T>C on the coding strand, the complement: LRP6 is on the minus strand). VCF-style: chr12-12183981-A-G. GRCh37 (hg19) VCF-style: chr12-12336915-A-G.
Other names: c.975T>C, p.Asp325= (NM_001414244.1, NM_001414245.1, NM_001414246.1 and 5 more transcripts); c.777T>C, p.Asp259= (NM_001414247.1); c.522T>C, p.Asp174= (NM_001414252.1, NM_001414253.1, NM_001414254.1).
Identifiers: ClinVar variation 1913616 (VCV001913616.5), dbSNP rs773875943, ClinGen allele CA6455764.